The following is an entry in ClinVar:

ClinVar aggregate classification (germline): Benign/Likely benign. Review status: criteria provided, multiple submitters, no conflicts (2 of 4 stars). 3 submissions from 3 submitters: Benign (2); Likely benign (1). Last evaluated 2026-03-01.

Allele frequency attached by ClinVar (database versions not stated): 1000 Genomes Project 0.00100; 1000 Genomes Project 30x 0.00141; gnomAD 0.00413; TOPMed 0.00441; ESP Exome Variant Server 0.00462; gnomAD exomes 0.00531; ExAC 0.00625.
gnomAD v4.1: 9,221 of 1,584,560 alleles (0.58%); highest among the groups gnomAD compares: South Asian, 0.82%; 45 homozygotes.

Submissions (3):

CeGaT Center for Human Genetics Tuebingen
Classification: Likely benign. Last evaluated: 2026-03-01. Review status: criteria provided, single submitter. Criteria: CeGaT Center For Human Genetics Tuebingen Variant Classification Criteria Version 2. Collection method: clinical testing. Allele origin: germline. Affected: yes. Observed: 4 variant alleles.
Comment: PDPN: BP4, BS2

Labcorp Genetics (formerly Invitae), Labcorp
Classification: Benign. Last evaluated: 2018-06-29. Review status: criteria provided, single submitter. Criteria: Invitae Variant Classification Sherloc (09022015). Collection method: clinical testing. Allele origin: germline.

Breakthrough Genomics
Classification: Benign. Review status: criteria provided, single submitter. Criteria: ACMG Guidelines, 2015. Collection method: not provided. Allele origin: germline. Inheritance: Unknown mechanism. Affected: yes.

NM_006474.5(PDPN):c.-183C>T

Gene: PDPN (podoplanin; plus strand). Cytogenetic location: 1p36.21.
Variant type: single nucleotide variant.
Coding change: c.-183C>T on transcript NM_006474.5 (MANE Select); 183 bases upstream of the start codon, C replaced by T.
Molecular consequence: 5 prime UTR variant. On other transcripts: missense variant (1).
Genome position (GRCh38, 1-based): chr1:13,583,851, C>T. VCF-style: chr1-13583851-C-T. GRCh37 (hg19) VCF-style: chr1-13910346-C-T.
Other names: c.46C>T, p.Arg16Trp (NM_198389.2); short protein forms R16W.
Identifiers: ClinVar variation 709645 (VCV000709645.27), dbSNP rs113350533, ClinGen allele CA609669.